The following is an entry in ClinVar:

NM_001378418.1(TCF20):c.173G>A (p.Gly58Glu)

Gene: TCF20 (transcription factor 20; minus strand). Cytogenetic location: 22q13.2.
Variant type: single nucleotide variant.
Coding change: c.173G>A on transcript NM_001378418.1 (MANE Select); coding-DNA position 173, G replaced by A.
Protein change: p.Gly58Glu; replaces glycine 58 with glutamic acid.
Molecular consequence: missense variant.
Genome position (GRCh38, 1-based): chr22:42,215,133, C>T on the plus strand (G>A on the coding strand, the complement: TCF20 is on the minus strand). VCF-style: chr22-42215133-C-T. GRCh37 (hg19) VCF-style: chr22-42611139-C-T.
Other names: c.173G>A, p.Gly58Glu (NM_005650.4, NM_181492.3); c.173G>A (NM_005650.1); short protein forms G58E.
Identifiers: ClinVar variation 2145594 (VCV002145594.3), dbSNP rs555261601, ClinGen allele CA411793564.

ClinVar aggregate classification (germline): Conflicting classifications of pathogenicity. Review status: criteria provided, conflicting classifications (1 of 4 stars). 3 submissions from 3 submitters: Uncertain significance (2); Likely benign (1). Last evaluated 2025-02-23.

Conditions:
Inborn genetic diseases. Identifiers: MedGen C0950123, MeSH D030342.

Allele frequency attached by ClinVar (database versions not stated): TOPMed 0.00002; gnomAD exomes 0.00009.
gnomAD v4.1: 135 of 1,613,976 alleles (0.0084%); highest among the groups gnomAD compares: Non-Finnish European, 0.011%; no homozygotes.

Submissions (3):

Ambry Genetics
Classification: Likely benign for Inborn genetic diseases. Last evaluated: 2025-02-23. Review status: criteria provided, single submitter. Criteria: Ambry Variant Classification Scheme 2023. Collection method: clinical testing. Allele origin: germline.

GeneDx
Classification: Uncertain significance. Last evaluated: 2023-06-22. Review status: criteria provided, single submitter. Criteria: GeneDx Variant Classification Process June 2021. Collection method: clinical testing. Allele origin: germline. Affected: yes.
Comment: In silico analysis supports that this missense variant does not alter protein structure/function; Has not been previously published as pathogenic or benign to our knowledge

Labcorp Genetics (formerly Invitae), Labcorp
Classification: Uncertain significance. Last evaluated: 2022-06-30. Review status: criteria provided, single submitter. Criteria: Invitae Variant Classification Sherloc (09022015). Collection method: clinical testing. Allele origin: germline.
Comment: This sequence change replaces glycine, which is neutral and non-polar, with glutamic acid, which is acidic and polar, at codon 58 of the TCF20 protein (p.Gly58Glu). This variant is present in population databases (no rsID available, gnomAD 0.006%). This variant has not been reported in the literature in individuals affected with TCF20-related conditions. Algorithms developed to predict the effect of missense changes on protein structure and function are either unavailable or do not agree on the potential impact of this missense change (SIFT: "Tolerated"; PolyPhen-2: "Probably Damaging"; Align-GVGD: "Class C0"). In summary, the available evidence is currently insufficient to determine the role of this variant in disease. Therefore, it has been classified as a Variant of Uncertain Significance.